The following is an entry in ClinVar:

ClinVar aggregate classification (germline): Uncertain significance. Review status: criteria provided, multiple submitters, no conflicts (2 of 4 stars). 3 submissions from 3 submitters: Uncertain significance (3). Last evaluated 2026-04-07.

Conditions:
Cardiovascular phenotype. Identifiers: MedGen CN230736.
FLNC-related disorder. Also called: FLNC-related condition; FLNC-related disorders.

Allele frequency attached by ClinVar (database versions not stated): ExAC 0.00001; gnomAD 0.00001; TOPMed 0.00001.
gnomAD v4.1: 7 of 1,613,588 alleles (0.00043%); highest among the groups gnomAD compares: East Asian, 0.0089%; no homozygotes.

Submissions (3):

PreventionGenetics, part of Exact Sciences
Classification: Uncertain significance for FLNC-related condition. Last evaluated: 2026-04-07. Review status: criteria provided, single submitter. Criteria: ACMG Guidelines, 2015. Collection method: clinical testing. Allele origin: germline.
Comment: The FLNC c.2143G>A variant is predicted to result in the amino acid substitution p.Asp715Asn. To our knowledge, this variant has not been reported in the literature. This variant is reported in 0.00089% of alleles in individuals of European (Non-Finnish) descent in gnomAD. At this time, the clinical significance of this variant is uncertain due to the absence of conclusive functional and genetic evidence.

GeneDx
Classification: Uncertain significance. Last evaluated: 2025-04-09. Review status: criteria provided, single submitter. Criteria: GeneDx Variant Classification Process June 2021. Collection method: clinical testing. Allele origin: germline. Affected: yes.
Comment: Not observed at significant frequency in large population cohorts (gnomAD); In silico analysis indicates that this missense variant does not alter protein structure/function; Has not been previously published as pathogenic or benign to our knowledge

Ambry Genetics
Classification: Uncertain significance for Cardiovascular phenotype. Last evaluated: 2022-11-19. Review status: criteria provided, single submitter. Criteria: Ambry Variant Classification Scheme 2023. Collection method: clinical testing. Allele origin: germline.
Comment: The p.D715N variant (also known as c.2143G>A), located in coding exon 14 of the FLNC gene, results from a G to A substitution at nucleotide position 2143. The aspartic acid at codon 715 is replaced by asparagine, an amino acid with highly similar properties. This amino acid position is conserved. In addition, this alteration is predicted to be tolerated by in silico analysis. Since supporting evidence is limited at this time, the clinical significance of this alteration remains unclear.

NM_001458.5(FLNC):c.2143G>A (p.Asp715Asn)

Genes: FLNC (filamin C; plus strand), LOC129999273 (ATAC-STARR-seq lymphoblastoid silent region 18616; plus strand). Cytogenetic location: 7q32.1.
Variant type: single nucleotide variant.
Coding change: c.2143G>A on transcript NM_001458.5 (MANE Select); coding-DNA position 2143, G replaced by A.
Protein change: p.Asp715Asn; replaces aspartic acid 715 with asparagine.
Molecular consequence: missense variant.
Genome position (GRCh38, 1-based): chr7:128,842,252, G>A. VCF-style: chr7-128842252-G-A. GRCh37 (hg19) VCF-style: chr7-128482306-G-A.
Other names: c.2143G>A, p.Asp715Asn (NM_001127487.2); short protein forms D715N.
Identifiers: ClinVar variation 2450883 (VCV002450883.4), dbSNP rs770037118, ClinGen allele CA4474620.